The following is an entry in ClinVar:

NM_001048174.2(MUTYH):c.1524_1525del (p.Ile509fs)

Gene: MUTYH (mutY DNA glycosylase; minus strand). Cytogenetic location: 1p34.1.
Variant type: Microsatellite.
Coding change: c.1524_1525del on transcript NM_001048174.2 (MANE Select); coding-DNA positions 1524 to 1525, 2 bases deleted (CA; older notation c.1524_1525delCA).
Protein change: p.Ile509fs; shifts the reading frame from isoleucine 509.
Molecular consequence: frameshift variant. On other transcripts: non-coding transcript variant (7).
Genome position (GRCh38, 1-based): chr1:45,329,347-45,329,348, TG deleted on the plus strand (CA on the coding strand, the reverse complement: MUTYH is on the minus strand); deleting any 2 consecutive bases within chr1:45,329,347-45,329,350 gives the same sequence; the c. name uses the placement nearest the transcript's 3' end. VCF-style (leftmost placement, unchanged base first): chr1-45329346-ATG-A. GRCh37 (hg19) VCF-style: chr1-45795018-ATG-A.
Other names: c.1608_1609delCA (NM_001128425.1); c.1524_1525del, p.Ile509fs (NM_001048171.2, NM_001048173.2, NM_001293195.2 and 6 more transcripts); c.1527_1528del, p.Ile510fs (NM_001048172.2, NM_001407071.1, NM_001407078.1 and 1 more transcripts); c.1606_1607CA[1], p.Ile537Leufs (NM_001128425.1); c.1608_1609del, p.Ile537fs (NM_001128425.2); c.1569_1570del, p.Ile524fs (NM_001293190.2); c.1557_1558del, p.Ile520fs (NM_001293191.2, NM_001407069.1, NM_001407077.1); c.1248_1249del, p.Ile417fs (NM_001293192.2, NM_001293196.2, NM_001407091.1); and 7 more; short protein forms I495fs, I523fs, I524fs, I394fs, I516fs, I520fs, I417fs, I481fs.
Identifiers: ClinVar variation 3400143 (VCV003400143.1).

ClinVar aggregate classification (germline): Uncertain significance (1 of 4 stars; one submission).

Conditions:
Hereditary cancer-predisposing syndrome. Also called: Hereditary Cancer Syndrome; Tumor predisposition; Hereditary neoplastic syndrome; Neoplastic Syndromes, Hereditary. Identifiers: Orphanet 140162, MedGen C0027672, MeSH D009386, MONDO:0015356.

Submission:

Ambry Genetics
Classification: Uncertain significance for Hereditary cancer-predisposing syndrome. Last evaluated: 2024-09-28. Review status: criteria provided, single submitter. Criteria: Ambry Variant Classification Scheme 2023. Collection method: clinical testing. Allele origin: germline.
Comment: The c.1608_1609delCA variant, located in coding exon 16 of the MUTYH gene, results from a deletion of two nucleotides at nucleotide positions 1608 to 1609, causing a translational frameshift with a predicted alternate stop codon (p.I537Lfs*3). This alteration occurs at the 3' terminus of theMUTYH gene, is not expected to trigger nonsense-mediated mRNAdecay, and only impacts the last 2.4% of the protein. The exact functional effect of this alteration is unknown. Based on the available evidence, the clinical significance of this variant remains unclear.